The following is an entry in ClinVar:

NM_001382430.1(AKT1):c.1260+225C>T

Gene: AKT1 (AKT serine/threonine kinase 1; minus strand). Cytogenetic location: 14q32.33.
Variant type: single nucleotide variant.
Coding change: c.1260+225C>T on transcript NM_001382430.1 (MANE Select); 225 bases into the intron after coding-DNA position 1260, C replaced by T.
Molecular consequence: intron variant.
Genome position (GRCh38, 1-based): chr14:104,772,140, G>A on the plus strand (C>T on the coding strand, the complement: AKT1 is on the minus strand). VCF-style: chr14-104772140-G-A. GRCh37 (hg19) VCF-style: chr14-105238477-G-A.
Other names: c.1260+225C>T (NM_001014431.2, NM_001014432.2, NM_001382433.1 and 3 more transcripts).
Identifiers: ClinVar variation 1711376 (VCV001711376.30), dbSNP rs180731749, ClinGen allele CA267348625.
Genomic context (GRCh38, chr14:104,772,140, plus strand): 5'-GTGACACACCTCCGAGGGGAGGAGGAAACTCAGAGTGTGACACACCTCCGAGGGGAGGAG[G>A]AAATGAGGACCAGGCCAGTTTCCTGGTGGAACCCGGCAGTGCCAGAGCCTCTGAGCACCA-3'

ClinVar aggregate classification (germline): Benign (1 of 4 stars; one submission).

Allele frequency attached by ClinVar (database versions not stated): 1000 Genomes Project 0.00100; 1000 Genomes Project 30x 0.00125; gnomAD 0.00144; TOPMed 0.00171; gnomAD exomes 0.00177.
gnomAD v4.1: 1,027 of 597,296 alleles (0.17%); highest among the groups gnomAD compares: Non-Finnish European, 0.24%; 2 homozygotes.

Submission:

CeGaT Center for Human Genetics Tuebingen
Classification: Benign. Last evaluated: 2023-04-01. Review status: criteria provided, single submitter. Criteria: CeGaT Center For Human Genetics Tuebingen Variant Classification Criteria Version 2. Collection method: clinical testing. Allele origin: germline. Affected: yes. Observed: 2 variant alleles.
Comment: AKT1: BS1, BS2